The following is an entry in ClinVar:

NM_001039141.3(TRIOBP):c.2581C>T (p.Arg861Ter)

Gene: TRIOBP (TRIO and F-actin binding protein; plus strand). Cytogenetic location: 22q13.1.
Variant type: single nucleotide variant.
Coding change: c.2581C>T on transcript NM_001039141.3 (MANE Select); coding-DNA position 2581, C replaced by T.
Protein change: p.Arg861Ter; replaces arginine 861 with a stop codon.
Molecular consequence: nonsense.
Genome position (GRCh38, 1-based): chr22:37,725,137, C>T. VCF-style: chr22-37725137-C-T. GRCh37 (hg19) VCF-style: chr22-38121144-C-T.
Other names: c.2581C>T (NM_001039141.2); short protein forms R861*.
Identifiers: ClinVar variation 2445673 (VCV002445673.2), dbSNP rs745776539, ClinGen allele CA10223914.

ClinVar aggregate classification (germline): Pathogenic. Review status: criteria provided, multiple submitters, no conflicts (2 of 4 stars). 2 submissions from 2 submitters: Pathogenic (2). Last evaluated 2023-02-28.

Conditions:
TRIOBP-related disorder. Also called: TRIOBP-related condition.
Autosomal recessive nonsyndromic hearing loss 28. Identifiers: Orphanet 90636, MedGen C1853276, MONDO:0012355, OMIM 609823.

Allele frequency attached by ClinVar (database versions not stated): ExAC 0.00001.

Submissions (2):

King Laboratory, University of Washington
Classification: Pathogenic for Autosomal recessive nonsyndromic hearing loss 28. Last evaluated: 2023-02-28. Review status: criteria provided, single submitter. Criteria: Li et al. (Genet Med. 2022). Collection method: research. Allele origin: unknown. Affected: yes.
Comment: This variant occurred in compound heterozygosity with a TRIOBP nonsense variant in a patient with bilateral sensorineural hearing loss of onset <18 years, in a study of pediatric hearing loss conducted by the King Laboratory (Carlson RJ et al. JAMA-OtoHNS 2023). These two variants were confirmed to be in trans orientation by parental sequencing. This variant is a nonsense variant that creates an early stop at position 861 of the otherwise 2365 amino acid TRIOBP protein. As of January 2023, this variant has not been reported to ClinVar and is not found on gnomAD. Based on the prediction that this variant leads to a truncated protein, compound heterozygosity with a loss-of-function variant, and goodness of fit of genotype to phenotype, we conclude that this variant is pathogenic.

PreventionGenetics, part of Exact Sciences
Classification: Pathogenic for TRIOBP-related condition. Last evaluated: 2022-10-17. Review status: criteria provided, single submitter. Criteria: ACMG Guidelines, 2015. Collection method: clinical testing. Allele origin: germline.
Comment: The TRIOBP c.2581C>T variant is predicted to result in premature protein termination (p.Arg861*). This variant has been reported in the compound heterozygous state in individuals with non-syndromic hearing loss (Gu et al. 2015. PubMed ID: 24853665; Shang et al. 2018. PubMed ID: 29568747). This variant is reported in 0.0065% of alleles in individuals of South Asian descent in gnomAD. Nonsense variants in TRIOBP are expected to be pathogenic. Given the evidence, we interpret c.2581C>T (p.Arg861*) as pathogenic.

Literature cited by the submitters: PubMed 36633841 (cited by King Laboratory, University of Washington).